The following is an entry in ClinVar:

ClinVar aggregate classification (germline): Uncertain significance. Review status: criteria provided, multiple submitters, no conflicts (2 of 4 stars). 3 submissions from 3 submitters: Uncertain significance (3). Last evaluated 2025-09-27.

Conditions:
Myasthenic syndrome, congenital, 22 (CMS22). Also called: PREPL DEFICIENCY. Identifiers: MedGen C4479088, MONDO:0044299, OMIM 616224.
Inborn genetic diseases. Identifiers: MedGen C0950123, MeSH D030342.

Allele frequency attached by ClinVar (database versions not stated): ExAC 0.00001; gnomAD exomes 0.00001; gnomAD 0.00001.
gnomAD v4.1: 17 of 1,613,544 alleles (0.0011%); highest among the groups gnomAD compares: Non-Finnish European, 0.0014%; no homozygotes.

Submissions (3):

Ambry Genetics
Classification: Uncertain significance for Inborn genetic diseases. Last evaluated: 2025-09-27. Review status: criteria provided, single submitter. Criteria: Ambry Variant Classification Scheme 2023. Collection method: clinical testing. Allele origin: germline.

Labcorp Genetics (formerly Invitae), Labcorp
Classification: Uncertain significance for Myasthenic syndrome, congenital, 22. Last evaluated: 2022-03-13. Review status: criteria provided, single submitter. Criteria: Invitae Variant Classification Sherloc (09022015). Collection method: clinical testing. Allele origin: germline.
Comment: This sequence change replaces isoleucine, which is neutral and non-polar, with threonine, which is neutral and polar, at codon 684 of the PREPL protein (p.Ile684Thr). This variant is present in population databases (rs753055312, gnomAD 0.007%). This variant has not been reported in the literature in individuals affected with PREPL-related conditions. Algorithms developed to predict the effect of missense changes on protein structure and function are either unavailable or do not agree on the potential impact of this missense change (SIFT: "Deleterious"; PolyPhen-2: "Benign"; Align-GVGD: "Class C0"). In summary, the available evidence is currently insufficient to determine the role of this variant in disease. Therefore, it has been classified as a Variant of Uncertain Significance.

Department of Pathology and Laboratory Medicine, Sinai Health System
Classification: Uncertain significance for Myasthenic syndrome, congenital, 22. Last evaluated: 2021-12-22. Review status: criteria provided, single submitter. Criteria: ACMG Guidelines, 2015. Collection method: research. Allele origin: germline.

NM_001171613.2(PREPL):c.1784T>C (p.Ile595Thr)

Genes: PREPL (prolyl endopeptidase like; minus strand), SLC3A1 (solute carrier family 3 member 1; plus strand). Cytogenetic location: 2p21.
Variant type: single nucleotide variant.
Coding change: c.1784T>C on transcript NM_001171613.2 (MANE Select); coding-DNA position 1784, T replaced by C.
Protein change: p.Ile595Thr; replaces isoleucine 595 with threonine.
Molecular consequence: missense variant.
Genome position (GRCh38, 1-based): chr2:44,321,870, A>G on the plus strand (T>C on the coding strand, the complement: PREPL is on the minus strand). VCF-style: chr2-44321870-A-G. GRCh37 (hg19) VCF-style: chr2-44549009-A-G.
Other names: c.1865T>C, p.Ile622Thr (NM_001042385.2); c.1853T>C, p.Ile618Thr (NM_001042386.2); c.2051T>C, p.Ile684Thr (NM_001171603.1, NM_001171606.2, NM_001374275.1 and 2 more transcripts); c.1784T>C, p.Ile595Thr (NM_001171617.1, NM_001374277.1); short protein forms I618T, I622T, I684T, I595T.
Identifiers: ClinVar variation 2203046 (VCV002203046.3), dbSNP rs753055312, ClinGen allele CA1640949.
Genomic context (GRCh38, chr2:44,321,870, plus strand): 5'-GGGCCTTGATAACATACCTTTTTGTGAGAATCCTCAATTACATGATTGCCTCCAGGCTGA[A>G]TATCTAGAATAATATTAGGGGTCTGATAGCCTGGAAGAGTTAACATGTAGAACAATTAGA-3'
Protein context (NP_001165084.1, residues 585-605): GYQTPNIILD[Ile595Thr]QPGGNHVIED